The following is an entry in ClinVar:

NM_003721.4(RFXANK):c.677dup (p.Met227fs)

Gene: RFXANK (regulatory factor X associated ankyrin containing protein; plus strand). Cytogenetic location: 19p13.11.
Variant type: Duplication.
Coding change: c.677dup on transcript NM_003721.4 (MANE Select); coding-DNA position 677, one base duplicated (C; older notation c.677dupC).
Protein change: p.Met227fs; shifts the reading frame from methionine 227.
Molecular consequence: frameshift variant.
Genome position (GRCh38, 1-based): chr19:19,199,199, C duplicated; the last of 4 consecutive C bases (chr19:19,199,196-19,199,199); duplicating any one gives the same sequence. VCF-style (leftmost placement, unchanged base first): chr19-19199195-A-AC. GRCh37 (hg19) VCF-style: chr19-19310004-A-AC.
Other names: NM_003721.4(NP_003712.1):p.(Met227AspfsTer32); c.611dup, p.Met205fs (NM_001278727.2, NM_001370234.1); c.608dup, p.Met204fs (NM_001278728.2, NM_134440.3); c.677dup, p.Met227fs (NM_001370233.1, NM_001370238.1); c.674dup, p.Met226fs (NM_001370235.1, NM_001370236.1, NM_001370237.1); short protein forms M204fs, M205fs, M226fs, M227fs.
Identifiers: ClinVar variation 4890786 (VCV004890786.1).
Genomic context (GRCh38, chr19:19,199,195, plus strand): 5'-CCTCCCCTCTCCTTTGCAGCCCGAGGCGCTGACCTCACCACCGAAGCCGACTCTGGCTAC[A>AC]CCCCGATGGACCTTGCCGTGGCCCTGGGATACCGGAAAGGTCAGCCTGAGACACACAGAG-3'

ClinVar aggregate classification (germline): Pathogenic (1 of 4 stars; one submission).

Conditions:
MHC class II deficiency 2. Also called: Bare lymphocyte syndrome, type II, complementation group B. Identifiers: MedGen C1859535, MONDO:0971013, OMIM 620815.

Submission:

Department of Medical Immunology, Beni Messous University Hospital Center
Classification: Pathogenic for MHC class II deficiency 2. Last evaluated: 2026-09-10. Review status: criteria provided, single submitter. Criteria: ACMG Guidelines, 2015. Collection method: research. Allele origin: germline. Affected: yes. Observed: 2 variant alleles.
Comment: Classified according to ACMG/AMP 2015 criteria PVS1, PM2, and PP4. This frameshift variant is predicted to cause loss of function, an established disease mechanism for RFXANK-related MHC class II deficiency. It occurs at an extremely low frequency in gnomAD and has not been observed homozygously. The variant was identified homozygously in two affected individuals from two unrelated families, both showing complete absence of HLA-DR expression.